The following is an entry in ClinVar:

NM_001282531.3(ADNP):c.1607T>C (p.Ile536Thr)

Gene: ADNP (activity dependent neuroprotector homeobox; minus strand). Cytogenetic location: 20q13.13.
Variant type: single nucleotide variant.
Coding change: c.1607T>C on transcript NM_001282531.3 (MANE Select); coding-DNA position 1607, T replaced by C.
Protein change: p.Ile536Thr; replaces isoleucine 536 with threonine.
Molecular consequence: missense variant.
Genome position (GRCh38, 1-based): chr20:50,893,107, A>G on the plus strand (T>C on the coding strand, the complement: ADNP is on the minus strand). VCF-style: chr20-50893107-A-G. GRCh37 (hg19) VCF-style: chr20-49509644-A-G.
Other names: c.1607T>C, p.Ile536Thr (NM_001282532.2, NM_001347511.2, NM_015339.5 and 1 more transcripts); short protein forms I536T.
Identifiers: ClinVar variation 2994527 (VCV002994527.3), dbSNP rs746830005, ClinGen allele CA9908703.

ClinVar aggregate classification (germline): Uncertain significance (1 of 4 stars; one submission).

Allele frequency attached by ClinVar (database versions not stated): gnomAD exomes below 0.00001; ExAC 0.00002.
gnomAD v4.1: 8 of 1,614,140 alleles (0.0005%); highest among the groups gnomAD compares: South Asian, 0.0055%; no homozygotes.

Submission:

Labcorp Genetics (formerly Invitae), Labcorp
Classification: Uncertain significance. Last evaluated: 2023-02-14. Review status: criteria provided, single submitter. Criteria: Invitae Variant Classification Sherloc (09022015). Collection method: clinical testing. Allele origin: germline.
Comment: An algorithm developed to predict the effect of missense changes on protein structure and function (PolyPhen-2) suggests that this variant is likely to be tolerated. In summary, the available evidence is currently insufficient to determine the role of this variant in disease. Therefore, it has been classified as a Variant of Uncertain Significance. This variant has not been reported in the literature in individuals affected with ADNP-related conditions. This sequence change replaces isoleucine, which is neutral and non-polar, with threonine, which is neutral and polar, at codon 536 of the ADNP protein (p.Ile536Thr). This variant is present in population databases (rs746830005, gnomAD 0.01%).